The following is an entry in ClinVar:

ClinVar aggregate classification (germline): Uncertain significance. Review status: criteria provided, single submitter (1 of 4 stars). 2 submissions from 2 submitters: Uncertain significance (1). 1 of the submissions does not count toward it. Last evaluated 2025-05-29.

Conditions:
Wilson disease (WND). Also called: Wilson's disease. Identifiers: Orphanet 905, MedGen C0019202, MONDO:0010200, OMIM 277900. Disease mechanism: loss of function.

Submissions (2):

Color Diagnostics, LLC DBA Color Health
Classification: Uncertain significance for Wilson disease. Last evaluated: 2025-05-29. Review status: criteria provided, single submitter. Criteria: ACMG Guidelines, 2015. Collection method: clinical testing. Allele origin: germline.
Comment: This variant causes a single nucleotide substitution in the 5' untranslated region of the ATP7B gene. To our knowledge, functional studies have not been reported for this variant. This variant has not been reported in individuals affected with ATP7B-related disorders in the literature. This variant has not been identified in the general population by the Genome Aggregation Database (gnomAD). The available evidence is insufficient to determine the role of this variant in disease conclusively. Therefore, this variant is classified as a Variant of Uncertain Significance.

Natera, Inc.
Classification: Uncertain significance for Wilson disease. Last evaluated: 2020-04-15. Review status: no assertion criteria provided. Collection method: clinical testing. Allele origin: germline. Not counted in ClinVar's aggregate classification.

NC_000013.11:g.52011778G>C

Genes: ATP7B (ATPase copper transporting beta; minus strand), LOC130009838 (ATAC-STARR-seq lymphoblastoid silent region 5378; plus strand). Cytogenetic location: 13q14.3.
Variant type: single nucleotide variant.
Genome position: GRCh38 VCF-style: chr13-52011778-G-C. GRCh37 (hg19) VCF-style: chr13-52585914-G-C.
Other names: c.-441C>G (NM_000053.4).
Identifiers: ClinVar variation 991762 (VCV000991762.2), dbSNP rs1954047176, ClinGen allele CA1139663312.